The following is an entry in ClinVar:

ClinVar aggregate classification (germline): Uncertain significance (1 of 4 stars; one submission).

Conditions:
Epidermolysis bullosa simplex 5B, with muscular dystrophy (EBS5B). Also called: Epidermolysis bullosa simplex with muscular dystrophy; EPIDERMOLYSIS BULLOSA SIMPLEX AND LIMB-GIRDLE MUSCULAR DYSTROPHY. Identifiers: Orphanet 257, MedGen C2931072, MONDO:0009181, OMIM 226670.
Epidermolysis bullosa simplex, Ogna type (EBS5A). Also called: Pidermolysis bullosa simplex 5A, Ogna type; EPIDERMOLYSIS BULLOSA SIMPLEX 5A, OGNA TYPE. Identifiers: Orphanet 79401, MedGen C0432317, MONDO:0007555, OMIM 131950.
Epidermolysis bullosa simplex 5C, with pyloric atresia (EBS5C). Also called: PLEC-Related Epidermolysis Bullosa with Pyloric Atresia; Epidermolysis bullosa simplex with pyloric atresia; PLEC1-Related Epidermolysis Bullosa with Pyloric Atresia. Identifiers: Orphanet 158684, MedGen C2677349, MONDO:0012807, OMIM 612138.
Autosomal recessive limb-girdle muscular dystrophy type 2Q (LGMDR17). Also called: MUSCULAR DYSTROPHY, LIMB-GIRDLE, AUTOSOMAL RECESSIVE 17. Identifiers: Orphanet 254361, MedGen C3150989, MONDO:0013390, OMIM 613723.
Epidermolysis bullosa simplex with nail dystrophy (EBS5D). Identifiers: MedGen C4225309, MONDO:0014661, OMIM 616487.

Submission:

Labcorp Genetics (formerly Invitae), Labcorp
Classification: Uncertain significance for Autosomal recessive limb-girdle muscular dystrophy type 2Q; Epidermolysis bullosa simplex, Ogna type; Epidermolysis bullosa simplex with nail dystrophy; Epidermolysis bullosa simplex 5C, with pyloric atresia; Epidermolysis bullosa simplex 5B, with muscular dystrophy. Last evaluated: 2022-07-12. Review status: criteria provided, single submitter. Criteria: Invitae Variant Classification Sherloc (09022015). Collection method: clinical testing. Allele origin: germline.
Comment: In summary, the available evidence is currently insufficient to determine the role of this variant in disease. Therefore, it has been classified as a Variant of Uncertain Significance. Algorithms developed to predict the effect of missense changes on protein structure and function are either unavailable or do not agree on the potential impact of this missense change (SIFT: "Deleterious"; PolyPhen-2: "Not Available"; Align-GVGD: "Class C0"). This variant has not been reported in the literature in individuals affected with PLEC-related conditions. This variant is not present in population databases (gnomAD no frequency). This sequence change replaces glutamic acid, which is acidic and polar, with lysine, which is basic and polar, at codon 2026 of the PLEC protein (p.Glu2026Lys).

NM_201384.3(PLEC):c.5995G>A (p.Glu1999Lys)

Gene: PLEC (plectin; minus strand). Cytogenetic location: 8q24.3.
Variant type: single nucleotide variant.
Coding change: c.5995G>A on transcript NM_201384.3 (MANE Select); coding-DNA position 5995, G replaced by A.
Protein change: p.Glu1999Lys; replaces glutamic acid 1999 with lysine.
Molecular consequence: missense variant.
Genome position (GRCh38, 1-based): chr8:143,923,934, C>T on the plus strand (G>A on the coding strand, the complement: PLEC is on the minus strand). VCF-style: chr8-143923934-C-T. GRCh37 (hg19) VCF-style: chr8-144998102-C-T.
Other names: c.6076G>A, p.Glu2026Lys (NM_000445.5); c.5953G>A, p.Glu1985Lys (NM_201378.4); c.5929G>A, p.Glu1977Lys (NM_201379.3); c.6406G>A, p.Glu2136Lys (NM_201380.4); c.5899G>A, p.Glu1967Lys (NM_201381.3); c.5995G>A, p.Glu1999Lys (NM_201382.4); c.6007G>A, p.Glu2003Lys (NM_201383.3); short protein forms E1967K, E1999K, E1985K, E2003K, E2136K, E1977K, E2026K.
Identifiers: ClinVar variation 2016259 (VCV002016259.4), dbSNP rs2537818732, ClinGen allele CA372540195.